The following is an entry in ClinVar:

ClinVar aggregate classification (germline): Uncertain significance (1 of 4 stars; one submission).

Conditions:
Cohen syndrome (COH1). Also called: PEPPER SYNDROME; Cutis verticis gyrata, retinitis pigmentosa, and sensorineural deafness. Identifiers: Orphanet 193, MedGen C0265223, MONDO:0008999, OMIM 216550.

Submission:

Labcorp Genetics (formerly Invitae), Labcorp
Classification: Uncertain significance for Cohen syndrome. Last evaluated: 2019-10-30. Review status: criteria provided, single submitter. Criteria: Invitae Variant Classification Sherloc (09022015). Collection method: clinical testing. Allele origin: germline.
Comment: In summary, the available evidence is currently insufficient to determine the role of this variant in disease. Therefore, it has been classified as a Variant of Uncertain Significance. Algorithms developed to predict the effect of missense changes on protein structure and function are either unavailable or do not agree on the potential impact of this missense change (SIFT: "Tolerated"; PolyPhen-2: "Probably Damaging"; Align-GVGD: "Class C0"). This variant has not been reported in the literature in individuals with VPS13B-related conditions. This variant is not present in population databases (ExAC no frequency). This sequence change replaces leucine with proline at codon 1114 of the VPS13B protein (p.Leu1114Pro). The leucine residue is moderately conserved and there is a moderate physicochemical difference between leucine and proline.

NM_152564.5(VPS13B):c.3341T>C (p.Leu1114Pro)

Gene: VPS13B (vacuolar protein sorting 13 homolog B; plus strand). Cytogenetic location: 8q22.2.
Variant type: single nucleotide variant.
Coding change: c.3341T>C on transcript NM_152564.5 (MANE Select); coding-DNA position 3341, T replaced by C.
Protein change: p.Leu1114Pro; replaces leucine 1114 with proline.
Molecular consequence: missense variant.
Genome position (GRCh38, 1-based): chr8:99,442,531, T>C. VCF-style: chr8-99442531-T-C. GRCh37 (hg19) VCF-style: chr8-100454759-T-C.
Other names: c.3341T>C, p.Leu1114Pro (NM_017890.5); short protein forms L1114P.
Identifiers: ClinVar variation 953834 (VCV000953834.8), dbSNP rs1817725649, ClinGen allele CA371870856.